The following is an entry in ClinVar:

ClinVar aggregate classification (germline): Uncertain significance (1 of 4 stars; one submission).

gnomAD v4.1: 1 of 1,611,444 alleles (0.000062%); highest among the groups gnomAD compares: Admixed American, 0.0017%; no homozygotes.

Submission:

Labcorp Genetics (formerly Invitae), Labcorp
Classification: Uncertain significance. Last evaluated: 2024-03-05. Review status: criteria provided, single submitter. Criteria: Invitae Variant Classification Sherloc (09022015). Collection method: clinical testing. Allele origin: germline.
Comment: This sequence change falls in intron 1 of the SIX5 gene. It does not directly change the encoded amino acid sequence of the SIX5 protein. It affects a nucleotide within the consensus splice site. This variant is not present in population databases (gnomAD no frequency). This variant has not been reported in the literature in individuals affected with SIX5-related conditions. Variants that disrupt the consensus splice site are a relatively common cause of aberrant splicing (PMID: 17576681, 9536098). Algorithms developed to predict the effect of sequence changes on RNA splicing suggest that this variant is not likely to affect RNA splicing. In summary, the available evidence is currently insufficient to determine the role of this variant in disease. Therefore, it has been classified as a Variant of Uncertain Significance.

Literature cited by the submitters: PubMed 17576681; PubMed 9536098.

NM_175875.5(SIX5):c.804-3C>T

Genes: SIX5 (SIX homeobox 5; minus strand), LOC107075317 (origin of replication in DMPK trinucleotide repeat region; plus strand). Cytogenetic location: 19q13.32.
Variant type: single nucleotide variant.
Coding change: c.804-3C>T on transcript NM_175875.5 (MANE Select); 3 bases into the intron before coding-DNA position 804, C replaced by T.
Molecular consequence: intron variant.
Genome position (GRCh38, 1-based): chr19:45,767,158, G>A on the plus strand (C>T on the coding strand, the complement: SIX5 is on the minus strand). VCF-style: chr19-45767158-G-A. GRCh37 (hg19) VCF-style: chr19-46270416-G-A.
Identifiers: ClinVar variation 3697402 (VCV003697402.2).